The following is an entry in ClinVar:

ClinVar aggregate classification (germline): Uncertain significance (1 of 4 stars; one submission).

Submission:

CeGaT Center for Human Genetics Tuebingen
Classification: Uncertain significance. Last evaluated: 2026-04-01. Review status: criteria provided, single submitter. Criteria: CeGaT Center For Human Genetics Tuebingen Variant Classification Criteria Version 2. Collection method: clinical testing. Allele origin: germline. Affected: yes. Observed: 1 variant allele.
Comment: FTSJ1: PM2, PP3

NM_012280.4(FTSJ1):c.757G>T (p.Asp253Tyr)

Gene: FTSJ1 (FtsJ RNA 2'-O-methyltransferase 1; plus strand). Cytogenetic location: Xp11.23.
Variant type: single nucleotide variant.
Coding change: c.757G>T on transcript NM_012280.4 (MANE Select); coding-DNA position 757, G replaced by T.
Protein change: p.Asp253Tyr; replaces aspartic acid 253 with tyrosine.
Molecular consequence: missense variant.
Genome position (GRCh38, 1-based): chrX:48,482,504, G>T. VCF-style: chrX-48482504-G-T. GRCh37 (hg19) VCF-style: chrX-48340892-G-T.
Other names: c.346G>T, p.Asp116Tyr (NM_001282157.2); c.757G>T, p.Asp253Tyr (NM_001441195.1, NM_001441197.1, NM_001441198.1); c.751G>T, p.Asp251Tyr (NM_001441196.1, NM_001441199.1, NM_001441200.1 and 1 more transcripts); short protein forms D116Y, D251Y, D253Y.
Identifiers: ClinVar variation 4874591 (VCV004874591.2).